The following is an entry in ClinVar:

NM_032409.3(PINK1):c.170_175dup (p.Arg58_Val59insGlyArg)

Genes: MIR6084 (microRNA 6084; plus strand), PINK1 (PTEN induced kinase 1; plus strand). Cytogenetic location: 1p36.12.
Variant type: Duplication.
Coding change: c.170_175dup on transcript NM_032409.3 (MANE Select); coding-DNA positions 170 to 175, 6 bases duplicated (GCAGGG; older notation c.170_175dupGCAGGG).
Protein change: p.Arg58_Val59insGlyArg.
Molecular consequence: inframe insertion. On other transcripts: non-coding transcript variant (1).
Genome position (GRCh38, 1-based): chr1:20,633,718-20,633,723, GCAGGG duplicated. VCF-style (leftmost placement, unchanged base first): chr1-20633717-C-CGCAGGG. GRCh37 (hg19) VCF-style: chr1-20960210-C-CGCAGGG.
Identifiers: ClinVar variation 2202710 (VCV002202710.1), dbSNP rs751456355, ClinGen allele CA660337.

ClinVar aggregate classification (germline): Uncertain significance (1 of 4 stars; one submission).

Conditions:
Autosomal recessive early-onset Parkinson disease 6 (PARK6). Also called: PINK1 Type of Young-Onset Parkinson Disease; PARKINSON DISEASE 6, MODIFIER OF; PARKINSON DISEASE 6, EARLY-ONSET; PINK1-Related Parkinson Disease. Identifiers: Orphanet 2828, MedGen C1853833, MONDO:0011613, OMIM 605909.

Allele frequency attached by ClinVar (database versions not stated): TOPMed below 0.00001; gnomAD 0.00001; gnomAD exomes 0.00003.

Submission:

Labcorp Genetics (formerly Invitae), Labcorp
Classification: Uncertain significance for Autosomal recessive early-onset Parkinson disease 6. Last evaluated: 2022-08-17. Review status: criteria provided, single submitter. Criteria: Invitae Variant Classification Sherloc (09022015). Collection method: clinical testing. Allele origin: germline.
Comment: This variant, c.170_175dup, results in the insertion of 2 amino acid(s) of the PINK1 protein (p.Arg58_Val59insGlyArg), but otherwise preserves the integrity of the reading frame. This variant is present in population databases (rs751456355, gnomAD 0.04%). This variant has been observed in individual(s) with Parkinson disease (PMID: 30502028, 32713623). Experimental studies and prediction algorithms are not available or were not evaluated, and the functional significance of this variant is currently unknown. In summary, the available evidence is currently insufficient to determine the role of this variant in disease. Therefore, it has been classified as a Variant of Uncertain Significance.

Literature cited by the submitters: PubMed 30502028; PubMed 32713623.